The following is an entry in ClinVar:

NM_052845.4(MMAB):c.56G>A (p.Arg19His)

Genes: MMAB (metabolism of cobalamin associated B; minus strand), MVK (mevalonate kinase; plus strand). Cytogenetic location: 12q24.11.
Variant type: single nucleotide variant.
Coding change: c.56G>A on transcript NM_052845.4 (MANE Select); coding-DNA position 56, G replaced by A.
Protein change: p.Arg19His; replaces arginine 19 with histidine.
Molecular consequence: missense variant. On other transcripts: non-coding transcript variant (1).
Genome position (GRCh38, 1-based): chr12:109,573,425, C>T on the plus strand (G>A on the coding strand, the complement: MMAB is on the minus strand). VCF-style: chr12-109573425-C-T. GRCh37 (hg19) VCF-style: chr12-110011230-C-T.
Other names: short protein forms R19H.
Identifiers: ClinVar variation 262246 (VCV000262246.37), dbSNP rs10774775, ClinGen allele CA6779078.

ClinVar aggregate classification (germline): Benign. Review status: criteria provided, multiple submitters, no conflicts (2 of 4 stars). 12 submissions from 12 submitters: Benign (9). 3 of the submissions do not count toward it. Last evaluated 2025-07-10.

Conditions:
Methylmalonic aciduria, cblB type (MACB). Also called: Methylmalonic acidemia cblB type; METHYLMALONIC ACIDURIA, VITAMIN B12-RESPONSIVE, DUE TO DEFECT IN SYNTHESIS OF ADENOSYLCOBALAMIN, cblB TYPE; Vitamin B12-responsive methylmalonic acidemia type cblB. Identifiers: Orphanet 28, Orphanet 79311, MedGen C1855102, MONDO:0009614, OMIM 251110.

Allele frequency attached by ClinVar (database versions not stated): 1000 Genomes Project 30x 0.28467; gnomAD 0.30788 and 0.31347; 1000 Genomes Project 0.28494; ESP Exome Variant Server 0.30845; ExAC 0.29024; TOPMed 0.31377.
gnomAD v4.1: 434,671 of 1,607,798 alleles (27%); highest among the groups gnomAD compares: African/African-American, 41%; 60,788 homozygotes.

Submissions (12):

ARUP Laboratories, Molecular Genetics and Genomics, ARUP Laboratories
Classification: Benign for Methylmalonic aciduria, cblB type. Last evaluated: 2025-07-10. Review status: criteria provided, single submitter. Criteria: ARUP Molecular Germline Variant Investigation Process 2024. Collection method: clinical testing. Allele origin: germline.

Labcorp Genetics (formerly Invitae), Labcorp
Classification: Benign for Methylmalonic aciduria, cblB type. Last evaluated: 2024-12-09. Review status: criteria provided, single submitter. Criteria: Invitae Variant Classification Sherloc (09022015). Collection method: clinical testing. Allele origin: germline.

Mayo Clinic Laboratories, Mayo Clinic
Classification: Benign. Last evaluated: 2022-03-31. Review status: criteria provided, single submitter. Criteria: ACMG Guidelines, 2015. Collection method: clinical testing. Allele origin: germline. Observed: 53 variant alleles.

Illumina Laboratory Services, Illumina
Classification: Benign for Methylmalonic aciduria, cblB type. Last evaluated: 2018-01-13. Review status: criteria provided, single submitter. Criteria: ICSL Variant Classification Criteria 13 December 2019. Collection method: clinical testing. Allele origin: germline.
Comment: This variant was observed in the ICSL laboratory as part of a predisposition screen in an ostensibly healthy population. It had not been previously curated by ICSL or reported in the Human Gene Mutation Database (HGMD: prior to June 1st, 2018), and was therefore a candidate for classification through an automated scoring system. Utilizing variant allele frequency, disease prevalence and penetrance estimates, and inheritance mode, an automated score was calculated to assess if this variant is too frequent to cause the disease. Based on the score and internal cut-off values, a variant classified as benign is not then subjected to further curation. The score for this variant resulted in a classification of benign for this disease.

Eurofins Ntd Llc (ga)
Classification: Benign. Last evaluated: 2016-08-19. Review status: criteria provided, single submitter. Criteria: EGL Classification Definitions 2015. Collection method: clinical testing. Allele origin: germline. Observed: 5 variant alleles, 4 heterozygotes, 1 homozygote.

Laboratory for Molecular Medicine, Mass General Brigham Personalized Medicine
Classification: Benign. Last evaluated: 2016-03-28. Review status: criteria provided, single submitter. Criteria: LMM Criteria. Collection method: clinical testing. Allele origin: germline.
Comment: Variant identified in a genome or exome case(s) and assessed due to predicted null impact of the variant or pathogenic assertions in the literature or databases. Disclaimer: This variant has not undergone full assessment. The following are preliminary notes: MAF

GeneDx
Classification: Benign. Last evaluated: 2015-03-03. Review status: criteria provided, single submitter. Criteria: GeneDx Variant Classification Process June 2021. Collection method: clinical testing. Allele origin: germline. Affected: yes.

Breakthrough Genomics
Classification: Benign. Review status: criteria provided, single submitter. Criteria: ACMG Guidelines, 2015. Collection method: not provided. Allele origin: germline. Inheritance: Autosomal recessive inheritance. Affected: yes.

PreventionGenetics, part of Exact Sciences
Classification: Benign. Review status: criteria provided, single submitter. Criteria: ACMG Guidelines, 2015. Collection method: clinical testing. Allele origin: germline.

Natera, Inc.
Classification: Benign for Methylmalonic aciduria cblB type. Last evaluated: 2020-09-16. Review status: no assertion criteria provided. Collection method: clinical testing. Allele origin: germline. Not counted in ClinVar's aggregate classification.

Clinical Genetics, Academic Medical Center
Classification: Benign. Review status: no assertion criteria provided. Collection method: clinical testing. Allele origin: germline. Affected: yes. Study: VKGL Data-share Consensus. Not counted in ClinVar's aggregate classification.

Diagnostic Laboratory, Department of Genetics, University Medical Center Groningen
Classification: Benign for Methylmalonic aciduria, cblB type. Review status: no assertion criteria provided. Collection method: clinical testing. Allele origin: germline. Affected: yes. Study: VKGL Data-share Consensus. Not counted in ClinVar's aggregate classification.